The following is an entry in ClinVar:

NM_000173.7(GP1BA):c.1202C>T (p.Thr401Ile)

Gene: GP1BA (glycoprotein Ib platelet subunit alpha; plus strand). Cytogenetic location: 17p13.2.
Variant type: single nucleotide variant.
Coding change: c.1202C>T on transcript NM_000173.7 (MANE Select); coding-DNA position 1202, C replaced by T.
Protein change: p.Thr401Ile; replaces threonine 401 with isoleucine.
Molecular consequence: missense variant.
Genome position (GRCh38, 1-based): chr17:4,933,806, C>T. VCF-style: chr17-4933806-C-T. GRCh37 (hg19) VCF-style: chr17-4837101-C-T.
Other names: short protein forms T401I.
Identifiers: ClinVar variation 2691615 (VCV002691615.2), dbSNP rs779512159, ClinGen allele CA287217089.

ClinVar aggregate classification (germline): Uncertain significance (1 of 4 stars; one submission).

Allele frequency attached by ClinVar (database versions not stated): gnomAD 0.00002.

Submission:

Women's Health and Genetics/Laboratory Corporation of America, LabCorp
Classification: Uncertain significance. Last evaluated: 2024-12-26. Review status: criteria provided, single submitter. Criteria: LabCorp Variant Classification Summary - May 2015. Collection method: clinical testing. Allele origin: germline.
Comment: Variant summary: GP1BA c.1202C>T (p.Thr401Ile) results in a non-conservative amino acid change in the encoded protein sequence. Four of five in-silico tools predict a benign effect of the variant on protein function. The variant allele was found at a frequency of 2.4e-05 in 248468 control chromosomes (gnomAD). The available data on variant occurrences in the general population are insufficient to allow any conclusion about variant significance. To our knowledge, no occurrence of c.1202C>T in individuals affected with Bernard-Soulier Syndrome, Type A2, Autosomal Dominant and no experimental evidence demonstrating its impact on protein function have been reported. ClinVar contains an entry for this variant (Variation ID: 2691615). Based on the evidence outlined above, the variant was classified as uncertain significance.